The following is an entry in ClinVar:

ClinVar aggregate classification (germline): Uncertain significance (1 of 4 stars; one submission).

Conditions:
Nail-patella-like renal disease. Also called: Focal Segmental Glomerulosclerosis 10; GLOMERULAR BASEMENT MEMBRANE DISEASE, NAIL-PATELLA SYNDROME TYPE. Identifiers: Orphanet 2613, MedGen C0403548, MONDO:0009724, OMIM 256020.

Allele frequency attached by ClinVar (database versions not stated): gnomAD exomes below 0.00001; gnomAD 0.00001; ExAC 0.00002.
gnomAD v4.1: 7 of 1,613,790 alleles (0.00043%); highest among the groups gnomAD compares: South Asian, 0.0011%; no homozygotes.

Submission:

MVZ Medizinische Genetik Mainz
Classification: Uncertain significance for Nail-patella-like renal disease. Last evaluated: 2023-07-10. Review status: criteria provided, single submitter. Criteria: UK Practice Guidelines For Variant Classification V4 01 2020. Collection method: clinical testing. Allele origin: germline. Inheritance: Autosomal dominant inheritance. Affected: yes. Observed: 1 variant allele.
Comment: ACMG Criteria: PM1,PP3_MOD,PP2

NM_001174147.2(LMX1B):c.389G>A (p.Arg130Gln)

Gene: LMX1B (LIM homeobox transcription factor 1 beta; plus strand). Cytogenetic location: 9q33.3.
Variant type: single nucleotide variant.
Coding change: c.389G>A on transcript NM_001174147.2 (MANE Select); coding-DNA position 389, G replaced by A.
Protein change: p.Arg130Gln; replaces arginine 130 with glutamine.
Molecular consequence: missense variant.
Genome position (GRCh38, 1-based): chr9:126,690,898, G>A. VCF-style: chr9-126690898-G-A. GRCh37 (hg19) VCF-style: chr9-129453177-G-A.
Other names: c.389G>A, p.Arg130Gln (NM_001174146.2, NM_002316.4); short protein forms R130Q.
Identifiers: ClinVar variation 3235977 (VCV003235977.1), dbSNP rs750023127, ClinGen allele CA5242306.